The following is an entry in ClinVar:

ClinVar aggregate classification (germline): Likely pathogenic (1 of 4 stars; one submission).

Conditions:
Hereditary spherocytosis type 3. Also called: Spherocytosis type 3; SPTA1-Related Spherocytosis. Identifiers: Orphanet 822, MedGen C2678338, MONDO:0010053, OMIM 270970.

Submission:

Department of Pediatrics, Duzce University
Classification: Likely pathogenic for Hereditary spherocytosis type 3. Last evaluated: 2024-02-12. Review status: criteria provided, single submitter. Criteria: ACMG Guidelines, 2015. Collection method: research. Allele origin: germline. Inheritance: Autosomal dominant inheritance. Affected: yes.
Comment: Putatively novel nonsense variant predicted to introduce a premature stop codon (p.Glu1660Ter) and loss of function (PVS1, applied with consideration of SPTA1 dosage/inheritance characteristics). Absent from population databases (PM2_supporting). Applied ACMG/AMP criteria: PVS1, PM2_supporting. Classification: Likely pathogenic.

NM_003126.4(SPTA1):c.4978G>T (p.Glu1660Ter)

Gene: SPTA1 (spectrin alpha, erythrocytic 1; minus strand). Cytogenetic location: 1q23.1.
Variant type: single nucleotide variant.
Coding change: c.4978G>T on transcript NM_003126.4 (MANE Select); coding-DNA position 4978, G replaced by T.
Protein change: p.Glu1660Ter; replaces glutamic acid 1660 with a stop codon.
Molecular consequence: nonsense.
Genome position (GRCh38, 1-based): chr1:158,639,584, C>A on the plus strand (G>T on the coding strand, the complement: SPTA1 is on the minus strand). VCF-style: chr1-158639584-C-A. GRCh37 (hg19) VCF-style: chr1-158609374-C-A.
Other names: p.(Glu1660Ter); short protein forms E1660*.
Identifiers: ClinVar variation 4852834 (VCV004852834.1).